The following is an entry in ClinVar:

ClinVar aggregate classification (germline): Uncertain significance (1 of 4 stars; one submission).

Conditions:
Curry-Hall syndrome (WAD). Also called: WEYERS ACRODENTAL DYSOSTOSIS. Identifiers: Orphanet 952, MedGen C0457013, MONDO:0008673, OMIM 193530.
Ellis-van Creveld syndrome (EVC). Also called: EVC2-Related Ellis-van Creveld Syndrome; MESOECTODERMAL DYSPLASIA; Chondroectodermal dysplasia; EVC-Related Ellis-van Creveld Syndrome. Identifiers: Orphanet 289, MedGen C0013903, MONDO:0009162, OMIM 225500.

Submission:

Labcorp Genetics (formerly Invitae), Labcorp
Classification: Uncertain significance for Curry-Hall syndrome; Ellis-van Creveld syndrome. Last evaluated: 2020-02-27. Review status: criteria provided, single submitter. Criteria: Invitae Variant Classification Sherloc (09022015). Collection method: clinical testing. Allele origin: germline.
Comment: This sequence change replaces alanine with glutamic acid at codon 245 of the EVC2 protein (p.Ala245Glu). The alanine residue is weakly conserved and there is a moderate physicochemical difference between alanine and glutamic acid. This variant is not present in population databases (ExAC no frequency). This variant has not been reported in the literature in individuals with EVC2-related conditions. Algorithms developed to predict the effect of missense changes on protein structure and function are either unavailable or do not agree on the potential impact of this missense change (SIFT: "Deleterious"; PolyPhen-2: "Benign"; Align-GVGD: "Class C0"). In summary, the available evidence is currently insufficient to determine the role of this variant in disease. Therefore, it has been classified as a Variant of Uncertain Significance.

NM_147127.5(EVC2):c.734C>A (p.Ala245Glu)

Gene: EVC2 (EvC ciliary complex subunit 2; minus strand). Cytogenetic location: 4p16.2.
Variant type: single nucleotide variant.
Coding change: c.734C>A on transcript NM_147127.5 (MANE Select); coding-DNA position 734, C replaced by A.
Protein change: p.Ala245Glu; replaces alanine 245 with glutamic acid.
Molecular consequence: missense variant.
Genome position (GRCh38, 1-based): chr4:5,685,452, G>T on the plus strand (C>A on the coding strand, the complement: EVC2 is on the minus strand). VCF-style: chr4-5685452-G-T. GRCh37 (hg19) VCF-style: chr4-5687179-G-T.
Other names: c.494C>A, p.Ala165Glu (NM_001166136.2); short protein forms A165E, A245E.
Identifiers: ClinVar variation 1035067 (VCV001035067.9), dbSNP rs1720636458, ClinGen allele CA356146943.
Genomic context (GRCh38, chr4:5,685,452, plus strand): 5'-AGTTGGGCAGGAAGCTTGAGGCTCTCCCCGTTCCCGAGGTCTCCAGCCTGGAGCGTGGCT[G>T]CGTAGCTGACAGCAAAGGCATCTCCCACTGCGCAGAGAAAAGCACATGTGACTCAGGGAG-3'
Protein context (NP_667338.3, residues 235-255): QVGDAFAVSY[Ala245Glu]ATLQAGDLGN